The following is an entry in ClinVar:

ClinVar aggregate classification (germline): Uncertain significance. Review status: criteria provided, multiple submitters, no conflicts (2 of 4 stars). 2 submissions from 2 submitters: Uncertain significance (2). Last evaluated 2022-07-19.

Allele frequency attached by ClinVar (database versions not stated): gnomAD exomes below 0.00001 and 0.00002; gnomAD 0.00001; ExAC 0.00003.
gnomAD v4.1: 4 of 1,614,044 alleles (0.00025%); highest among the groups gnomAD compares: East Asian, 0.0089%; no homozygotes.

Submissions (2):

Labcorp Genetics (formerly Invitae), Labcorp
Classification: Uncertain significance. Last evaluated: 2022-07-19. Review status: criteria provided, single submitter. Criteria: Invitae Variant Classification Sherloc (09022015). Collection method: clinical testing. Allele origin: germline.
Comment: This sequence change replaces glutamic acid, which is acidic and polar, with glycine, which is neutral and non-polar, at codon 419 of the CNGB1 protein (p.Glu419Gly). This variant is present in population databases (rs754491100, gnomAD 0.02%). This variant has not been reported in the literature in individuals affected with CNGB1-related conditions. ClinVar contains an entry for this variant (Variation ID: 1476976). Advanced modeling of protein sequence and biophysical properties (such as structural, functional, and spatial information, amino acid conservation, physicochemical variation, residue mobility, and thermodynamic stability) performed at Invitae indicates that this missense variant is not expected to disrupt CNGB1 protein function. In summary, the available evidence is currently insufficient to determine the role of this variant in disease. Therefore, it has been classified as a Variant of Uncertain Significance.

Blueprint Genetics
Classification: Uncertain significance. Last evaluated: 2022-06-13. Review status: criteria provided, single submitter. Criteria: ACMG Guidelines, 2015. Collection method: clinical testing. Allele origin: germline.

NM_001297.5(CNGB1):c.1256A>G (p.Glu419Gly)

Gene: CNGB1 (cyclic nucleotide gated channel subunit beta 1; minus strand). Cytogenetic location: 16q21.
Variant type: single nucleotide variant.
Coding change: c.1256A>G on transcript NM_001297.5 (MANE Select); coding-DNA position 1256, A replaced by G.
Protein change: p.Glu419Gly; replaces glutamic acid 419 with glycine.
Molecular consequence: missense variant.
Genome position (GRCh38, 1-based): chr16:57,939,546, T>C on the plus strand (A>G on the coding strand, the complement: CNGB1 is on the minus strand). VCF-style: chr16-57939546-T-C. GRCh37 (hg19) VCF-style: chr16-57973450-T-C.
Other names: c.1238A>G, p.Glu413Gly (NM_001286130.2); short protein forms E419G, E413G.
Identifiers: ClinVar variation 1476976 (VCV001476976.6), dbSNP rs754491100, ClinGen allele CA8083491.